The following is an entry in ClinVar:

NM_004006.3(DMD):c.4351_4352insA (p.Leu1451fs)

Gene: DMD (dystrophin; minus strand). Cytogenetic location: Xp21.1.
Variant type: Insertion.
Coding change: c.4351_4352insA on transcript NM_004006.3 (MANE Select); coding-DNA positions 4351 to 4352, A inserted.
Protein change: p.Leu1451fs; shifts the reading frame from leucine 1451.
Molecular consequence: frameshift variant.
Genome position: GRCh38 VCF-style: chrX-32389667-A-AT. GRCh37 (hg19) VCF-style: chrX-32407784-A-AT.
Other names: c.4327_4328insA, p.Leu1443fs (NM_000109.4); c.4339_4340insA, p.Leu1447fs (NM_004009.3); c.3982_3983insA, p.Leu1328fs (NM_004010.3); c.328_329insA, p.Leu110fs (NM_004011.4); c.319_320insA, p.Leu107fs (NM_004012.4); short protein forms L107fs, L110fs, L1328fs, L1443fs, L1447fs, L1451fs.
Identifiers: ClinVar variation 981114 (VCV000981114.1), dbSNP rs2097987198, ClinGen allele CA1139667364.

ClinVar aggregate classification (germline): Likely pathogenic (1 of 4 stars; one submission).

Conditions:
Neuromuscular disease caused by qualitative or quantitative defects of dystrophin. Also called: Qualitative or quantitative defects of dystrophin. Identifiers: Orphanet 207085, MedGen C5679787, MONDO:0016147.

Submission:

Women's Health and Genetics/Laboratory Corporation of America, LabCorp
Classification: Likely pathogenic for Dystrophinopathies. Last evaluated: 2020-09-14. Review status: criteria provided, single submitter. Criteria: LabCorp Variant Classification Summary - May 2015. Collection method: clinical testing. Allele origin: germline.
Comment: Variant summary: DMD c.4351_4352insA (p.Leu1451TyrfsX18) results in a premature termination codon, predicted to cause a truncation of the encoded protein or absence of the protein due to nonsense mediated decay, which are commonly known mechanisms for disease. Truncations downstream of this position have been classified as pathogenic by our laboratory. The variant was absent in 181858 control chromosomes. c.4351_4352insA has been reported in the literature as an inherited variant in at-least one individual affected with or a carrier of DMD (example Hwa_2008). To our knowledge, no experimental evidence demonstrating an impact on protein function has been reported. No clinical diagnostic laboratories have submitted clinical-significance assessments for this variant to ClinVar after 2014. Based on the evidence outlined above, the variant was classified as likely pathogenic.

Literature cited by the submitters: PubMed 18583217.